The following is an entry in ClinVar:

ClinVar aggregate classification (germline): Benign. Review status: criteria provided, multiple submitters, no conflicts (2 of 4 stars). 2 submissions from 2 submitters: Benign (2). Last evaluated 2018-01-12.

Conditions:
RFT1-congenital disorder of glycosylation (CDG1N). Also called: Congenital disorder of glycosylation type In; CDG In; RFT1-CDG. Identifiers: Orphanet 244310, MedGen C2677590, MONDO:0012783, OMIM 612015.

Allele frequency attached by ClinVar (database versions not stated): gnomAD exomes 0.64179; gnomAD 0.65392 and 0.66074; TOPMed 0.66715; 1000 Genomes Project 30x 0.71393; 1000 Genomes Project 0.71845.
gnomAD v4.1: 100,222 of 151,418 alleles (66%); highest among the groups gnomAD compares: East Asian, 86%; 33,541 homozygotes.

Submissions (2):

Illumina Laboratory Services, Illumina
Classification: Benign for RFT1-congenital disorder of glycosylation. Last evaluated: 2018-01-12. Review status: criteria provided, single submitter. Criteria: ICSL Variant Classification Criteria 13 December 2019. Collection method: clinical testing. Allele origin: germline.
Comment: This variant was observed in the ICSL laboratory as part of a predisposition screen in an ostensibly healthy population. It had not been previously curated by ICSL or reported in the Human Gene Mutation Database (HGMD: prior to June 1st, 2018), and was therefore a candidate for classification through an automated scoring system. Utilizing variant allele frequency, disease prevalence and penetrance estimates, and inheritance mode, an automated score was calculated to assess if this variant is too frequent to cause the disease. Based on the score and internal cut-off values, a variant classified as benign is not then subjected to further curation. The score for this variant resulted in a classification of benign for this disease.

Breakthrough Genomics
Classification: Benign. Review status: criteria provided, single submitter. Criteria: ACMG Guidelines, 2015. Collection method: not provided. Allele origin: germline. Inheritance: Autosomal recessive inheritance. Affected: yes.

NM_052859.4(RFT1):c.*2887G>A

Gene: RFT1 (RFT1 glycolipid translocator homolog; minus strand). Cytogenetic location: 3p21.1.
Variant type: single nucleotide variant.
Coding change: c.*2887G>A on transcript NM_052859.4 (MANE Select); 2887 bases downstream of the stop codon, G replaced by A.
Molecular consequence: 3 prime UTR variant.
Genome position (GRCh38, 1-based): chr3:53,089,016, C>T on the plus strand (G>A on the coding strand, the complement: RFT1 is on the minus strand). VCF-style: chr3-53089016-C-T. GRCh37 (hg19) VCF-style: chr3-53123032-C-T.
Identifiers: ClinVar variation 346142 (VCV000346142.6), dbSNP rs2099162, ClinGen allele CA10617003.